The following is an entry in ClinVar:

ClinVar aggregate classification (germline): Conflicting classifications of pathogenicity. Review status: criteria provided, conflicting classifications (1 of 4 stars). 5 submissions from 5 submitters: Uncertain significance (1); Likely benign (3). 1 of the submissions does not count toward it. Last evaluated 2026-09-01.

Conditions:
CHD3-related disorder. Also called: CHD3-related condition.

Allele frequency attached by ClinVar (database versions not stated): 1000 Genomes Project 0.00040; 1000 Genomes Project 30x 0.00062; ESP Exome Variant Server 0.00108; gnomAD 0.00113 and 0.00115; gnomAD exomes 0.00117 and 0.00186; ExAC 0.00118; TOPMed 0.00139.
gnomAD v4.1: 2,893 of 1,614,040 alleles (0.18%); highest among the groups gnomAD compares: Non-Finnish European, 0.22%; 4 homozygotes.

Submissions (5):

CeGaT Center for Human Genetics Tuebingen
Classification: Likely benign. Last evaluated: 2026-09-01. Review status: criteria provided, single submitter. Criteria: CeGaT Center For Human Genetics Tuebingen Variant Classification Criteria Version 2. Collection method: clinical testing. Allele origin: germline. Affected: yes. Observed: 18 variant alleles.
Comment: CHD3: BP4, BP7, BS1

Blueprint Genetics
Classification: Likely benign. Last evaluated: 2024-11-24. Review status: criteria provided, single submitter. Criteria: ACMG Guidelines, 2015. Collection method: clinical testing. Allele origin: germline.

Institute for Clinical Genetics, University Hospital TU Dresden, University Hospital TU Dresden
Classification: Uncertain significance. Last evaluated: 2021-11-03. Review status: criteria provided, single submitter. Criteria: ACMG Guidelines, 2015. Collection method: clinical testing. Allele origin: germline.

Labcorp Genetics (formerly Invitae), Labcorp
Classification: Likely benign. Last evaluated: 2019-12-31. Review status: criteria provided, single submitter. Criteria: Invitae Variant Classification Sherloc (09022015). Collection method: clinical testing. Allele origin: germline.

PreventionGenetics, part of Exact Sciences
Classification: Likely benign for CHD3-related condition. Last evaluated: 2019-06-13. Review status: no assertion criteria provided. Collection method: clinical testing. Allele origin: germline. Not counted in ClinVar's aggregate classification.
Comment: This variant is classified as likely benign based on ACMG/AMP sequence variant interpretation guidelines (Richards et al. 2015 PMID: 25741868, with internal and published modifications).

NM_001005273.3(CHD3):c.3417G>T (p.Gly1139=)

Gene: CHD3 (chromodomain helicase DNA binding protein 3; plus strand). Cytogenetic location: 17p13.1.
Variant type: single nucleotide variant.
Coding change: c.3417G>T on transcript NM_001005273.3 (MANE Select); coding-DNA position 3417, G replaced by T.
Protein change: p.Gly1139=; no amino-acid change (glycine 1139 retained).
Molecular consequence: synonymous variant.
Genome position (GRCh38, 1-based): chr17:7,902,983, G>T. VCF-style: chr17-7902983-G-T. GRCh37 (hg19) VCF-style: chr17-7806301-G-T.
Other names: c.3594G>T, p.Gly1198= (NM_001005271.3); c.3417G>T, p.Gly1139= (NM_005852.4).
Identifiers: ClinVar variation 788747 (VCV000788747.32), dbSNP rs61753146, ClinGen allele CA8363081.